The following is an entry in ClinVar:

NM_002350.4(LYN):c.226G>A (p.Gly76Ser)

Gene: LYN (LYN proto-oncogene, Src family tyrosine kinase; plus strand). Cytogenetic location: 8q12.1.
Variant type: single nucleotide variant.
Coding change: c.226G>A on transcript NM_002350.4 (MANE Select); coding-DNA position 226, G replaced by A.
Protein change: p.Gly76Ser; replaces glycine 76 with serine.
Molecular consequence: missense variant.
Genome position (GRCh38, 1-based): chr8:55,947,665, G>A. VCF-style: chr8-55947665-G-A. GRCh37 (hg19) VCF-style: chr8-56860224-G-A.
Other names: c.163G>A, p.Gly55Ser (NM_001111097.3); short protein forms G55S, G76S.
Identifiers: ClinVar variation 3612048 (VCV003612048.2).

ClinVar aggregate classification (germline): Uncertain significance (1 of 4 stars; one submission).

Submission:

Labcorp Genetics (formerly Invitae), Labcorp
Classification: Uncertain significance. Last evaluated: 2025-04-11. Review status: criteria provided, single submitter. Criteria: Invitae Variant Classification Sherloc (09022015). Collection method: clinical testing. Allele origin: germline.
Comment: This sequence change replaces glycine, which is neutral and non-polar, with serine, which is neutral and polar, at codon 76 of the LYN protein (p.Gly76Ser). This variant is present in population databases (no rsID available, gnomAD 0.007%). This variant has not been reported in the literature in individuals affected with LYN-related conditions. ClinVar contains an entry for this variant (Variation ID: 3612048). An algorithm developed to predict the effect of missense changes on protein structure and function (PolyPhen-2) suggests that this variant is likely to be disruptive. In summary, the available evidence is currently insufficient to determine the role of this variant in disease. Therefore, it has been classified as a Variant of Uncertain Significance.